The following is an entry in ClinVar:

ClinVar aggregate classification (germline): Pathogenic (1 of 4 stars; one submission).

gnomAD v4.1: 1 of 1,607,256 alleles (0.000062%); highest among the groups gnomAD compares: Non-Finnish European, 0.000085%; no homozygotes.

Submission:

Labcorp Genetics (formerly Invitae), Labcorp
Classification: Pathogenic. Last evaluated: 2022-01-18. Review status: criteria provided, single submitter. Criteria: Invitae Variant Classification Sherloc (09022015). Collection method: clinical testing. Allele origin: germline.
Comment: For these reasons, this variant has been classified as Pathogenic. This variant has not been reported in the literature in individuals affected with NUP107-related conditions. This variant is not present in population databases (gnomAD no frequency). This sequence change creates a premature translational stop signal (p.Arg60*) in the NUP107 gene. It is expected to result in an absent or disrupted protein product. Loss-of-function variants in NUP107 are known to be pathogenic (PMID: 27190346).

Literature cited by the submitters: PubMed 27190346.

NM_020401.4(NUP107):c.178C>T (p.Arg60Ter)

Gene: NUP107 (nucleoporin 107; plus strand). Cytogenetic location: 12q15.
Variant type: single nucleotide variant.
Coding change: c.178C>T on transcript NM_020401.4 (MANE Select); coding-DNA position 178, C replaced by T.
Protein change: p.Arg60Ter; replaces arginine 60 with a stop codon.
Molecular consequence: nonsense. On other transcripts: synonymous variant (1).
Genome position (GRCh38, 1-based): chr12:68,689,610, C>T. VCF-style: chr12-68689610-C-T. GRCh37 (hg19) VCF-style: chr12-69083390-C-T.
Other names: c.63C>T, p.Phe21= (NM_001330192.2); short protein forms R60*.
Identifiers: ClinVar variation 2082844 (VCV002082844.4), dbSNP rs1473034869, ClinGen allele CA385695936.